The following is an entry in ClinVar:

ClinVar aggregate classification (germline): Uncertain significance (1 of 4 stars; one submission).

gnomAD v4.1: 5 of 1,614,094 alleles (0.00031%); highest among the groups gnomAD compares: Admixed American, 0.0017%; no homozygotes.

Submission:

Labcorp Genetics (formerly Invitae), Labcorp
Classification: Uncertain significance. Last evaluated: 2024-10-16. Review status: criteria provided, single submitter. Criteria: Invitae Variant Classification Sherloc (09022015). Collection method: clinical testing. Allele origin: germline.
Comment: This sequence change replaces threonine, which is neutral and polar, with serine, which is neutral and polar, at codon 299 of the ACVR1 protein (p.Thr299Ser). This variant is present in population databases (rs746058852, gnomAD 0.003%). This variant has not been reported in the literature in individuals affected with ACVR1-related conditions. An algorithm developed to predict the effect of missense changes on protein structure and function (PolyPhen-2) suggests that this variant is likely to be tolerated. In summary, the available evidence is currently insufficient to determine the role of this variant in disease. Therefore, it has been classified as a Variant of Uncertain Significance.

NM_001111067.4(ACVR1):c.896C>G (p.Thr299Ser)

Gene: ACVR1 (activin A receptor type 1; minus strand). Cytogenetic location: 2q24.1.
Variant type: single nucleotide variant.
Coding change: c.896C>G on transcript NM_001111067.4 (MANE Select); coding-DNA position 896, C replaced by G.
Protein change: p.Thr299Ser; replaces threonine 299 with serine.
Molecular consequence: missense variant.
Genome position (GRCh38, 1-based): chr2:157,766,091, G>C on the plus strand (C>G on the coding strand, the complement: ACVR1 is on the minus strand). VCF-style: chr2-157766091-G-C. GRCh37 (hg19) VCF-style: chr2-158622603-G-C.
Other names: c.896C>G, p.Thr299Ser (NM_001105.5, NM_001347663.1, NM_001347664.1 and 3 more transcripts); short protein forms T299S.
Identifiers: ClinVar variation 3620564 (VCV003620564.2).